The following is an entry in ClinVar:

ClinVar aggregate classification (germline): Uncertain significance (1 of 4 stars; one submission).

Conditions:
Brugada syndrome 8 (BRGDA8). Identifiers: Orphanet 130, MedGen C2751083, MONDO:0013148, OMIM 613123.

Submission:

Labcorp Genetics (formerly Invitae), Labcorp
Classification: Uncertain significance for Brugada syndrome 8. Last evaluated: 2019-10-16. Review status: criteria provided, single submitter. Criteria: Invitae Variant Classification Sherloc (09022015). Collection method: clinical testing. Allele origin: germline.
Comment: This sequence change replaces histidine with arginine at codon 475 of the HCN4 protein (p.His475Arg). The histidine residue is highly conserved and there is a small physicochemical difference between histidine and arginine. This variant is not present in population databases (ExAC no frequency). This variant has not been reported in the literature in individuals with HCN4-related conditions. In summary, the available evidence is currently insufficient to determine the role of this variant in disease. Therefore, it has been classified as a Variant of Uncertain Significance.

NM_005477.3(HCN4):c.1424A>G (p.His475Arg)

Gene: HCN4 (hyperpolarization activated cyclic nucleotide gated potassium channel 4; minus strand). Cytogenetic location: 15q24.1.
Variant type: single nucleotide variant.
Coding change: c.1424A>G on transcript NM_005477.3 (MANE Select); coding-DNA position 1424, A replaced by G.
Protein change: p.His475Arg; replaces histidine 475 with arginine.
Molecular consequence: missense variant.
Genome position (GRCh38, 1-based): chr15:73,329,739, T>C on the plus strand (A>G on the coding strand, the complement: HCN4 is on the minus strand). VCF-style: chr15-73329739-T-C. GRCh37 (hg19) VCF-style: chr15-73622080-T-C.
Other names: short protein forms H475R.
Identifiers: ClinVar variation 967801 (VCV000967801.9), dbSNP rs2042921913, ClinGen allele CA393094002.